The following is an entry in ClinVar:

NM_001042702.5(PJVK):c.124C>T (p.Arg42Ter)

Gene: PJVK (pejvakin; plus strand). Cytogenetic location: 2q31.2.
Variant type: single nucleotide variant.
Coding change: c.124C>T on transcript NM_001042702.5 (MANE Select); coding-DNA position 124, C replaced by T.
Protein change: p.Arg42Ter; replaces arginine 42 with a stop codon.
Molecular consequence: nonsense. On other transcripts: 5 prime UTR variant (1), intron variant (1).
Genome position (GRCh38, 1-based): chr2:178,453,533, C>T. VCF-style: chr2-178453533-C-T. GRCh37 (hg19) VCF-style: chr2-179318260-C-T.
Other names: p.Arg42*; c.124C>T (NM_001042702.3); c.133C>T, p.Arg45Ter (NM_001353775.2); c.229C>T, p.Arg77Ter (NM_001353776.2); c.-354C>T (NM_001353778.2); c.124C>T, p.Arg42Ter (NM_001369912.1); c.-334-20C>T (NM_001353777.1); short protein forms R42*, R45*, R77*.
Identifiers: ClinVar variation 2683609 (VCV002683609.4), dbSNP rs779058198, ClinGen allele CA1984126.

ClinVar aggregate classification (germline): Likely pathogenic. Review status: criteria provided, multiple submitters, no conflicts (2 of 4 stars). 4 submissions from 4 submitters: Likely pathogenic (4). Last evaluated 2026-08-31.

Conditions:
Autosomal recessive nonsyndromic hearing loss 59. Identifiers: Orphanet 90636, MedGen C1857744, MONDO:0012445, OMIM 610220.
PJVK-related disorder. Also called: PJVK-related condition.

Allele frequency attached by ClinVar (database versions not stated): gnomAD exomes below 0.00001; ExAC 0.00001; TOPMed 0.00001; gnomAD 0.00002.
gnomAD v4.1: 8 of 1,614,026 alleles (0.0005%); highest among the groups gnomAD compares: Admixed American, 0.0017%; no homozygotes.

Submissions (4):

PreventionGenetics, part of Exact Sciences
Classification: Likely pathogenic for PJVK-related condition. Last evaluated: 2026-08-31. Review status: criteria provided, single submitter. Criteria: ACMG Guidelines, 2015. Collection method: clinical testing. Allele origin: germline.
Comment: The PJVK c.124C>T variant is predicted to result in premature protein termination (p.Arg42*). To our knowledge, this variant has not been reported in the literature. This variant is reported in 0.00088% of alleles in individuals of European (Non-Finnish) descent in gnomAD. Nonsense variants in PJVK are expected to be pathogenic. This variant is interpreted as likely pathogenic.

Fulgent Genetics
Classification: Likely pathogenic for Autosomal recessive nonsyndromic hearing loss 59. Last evaluated: 2024-03-26. Review status: criteria provided, single submitter. Criteria: ACMG Guidelines, 2015. Collection method: clinical testing. Allele origin: germline.

Blueprint Genetics
Classification: Likely pathogenic for PJVK-related disorders. Last evaluated: 2022-11-10. Review status: criteria provided, single submitter. Criteria: ACMG Guidelines, 2015. Collection method: clinical testing. Allele origin: germline. Affected: yes. Observed: 1 variant allele.

Mayo Clinic Laboratories, Mayo Clinic
Classification: Likely pathogenic. Last evaluated: 2022-09-08. Review status: criteria provided, single submitter. Criteria: ACMG Guidelines, 2015. Collection method: clinical testing. Allele origin: germline. Observed: 1 variant allele.
Comment: PM2, PVS1